The following is an entry in ClinVar:

NM_001042702.5(PJVK):c.778A>G (p.Met260Val)

Gene: PJVK (pejvakin; plus strand). Cytogenetic location: 2q31.2.
Variant type: single nucleotide variant.
Coding change: c.778A>G on transcript NM_001042702.5 (MANE Select); coding-DNA position 778, A replaced by G.
Protein change: p.Met260Val; replaces methionine 260 with valine.
Molecular consequence: missense variant.
Genome position (GRCh38, 1-based): chr2:178,460,993, A>G. VCF-style: chr2-178460993-A-G. GRCh37 (hg19) VCF-style: chr2-179325720-A-G.
Other names: c.787A>G, p.Met263Val (NM_001353775.2); c.784A>G, p.Met262Val (NM_001353776.2); c.301A>G, p.Met101Val (NM_001353777.1, NM_001353778.2); c.778A>G, p.Met260Val (NM_001369912.1); short protein forms M260V, M101V, M263V, M262V.
Identifiers: ClinVar variation 332661 (VCV000332661.37), dbSNP rs201237972, ClinGen allele CA1984302.
Genomic context (GRCh38, chr2:178,460,993, plus strand): 5'-TTTTCATTTTCACTTCTAACACATTTCTTTTCTGTTTTTGTCCTTTTAGATAGAAGAGTG[A>G]TGGATGTCATTTCTCGTTCACAGCTTTACTTGGATGATCTTTTTTCTGACTACTATGACA-3'
Protein context (NP_001036167.1, residues 250-270): NILFERNRRV[Met260Val]DVISRSQLYL

ClinVar aggregate classification (germline): Conflicting classifications of pathogenicity. Review status: criteria provided, conflicting classifications (1 of 4 stars). 4 submissions from 4 submitters: Uncertain significance (1); Benign (2); Likely benign (1). Last evaluated 2026-01-01.

Conditions:
Autosomal recessive nonsyndromic hearing loss 59. Identifiers: Orphanet 90636, MedGen C1857744, MONDO:0012445, OMIM 610220.

Allele frequency attached by ClinVar (database versions not stated): gnomAD 0.00001 and 0.00034; TOPMed 0.00006; gnomAD exomes 0.00059 and 0.00138; ExAC 0.00148; 1000 Genomes Project 0.00200; 1000 Genomes Project 30x 0.00234.
gnomAD v4.1: 937 of 1,613,064 alleles (0.058%); highest among the groups gnomAD compares: South Asian, 0.96%; 19 homozygotes.

Submissions (4):

CeGaT Center for Human Genetics Tuebingen
Classification: Likely benign. Last evaluated: 2026-01-01. Review status: criteria provided, single submitter. Criteria: CeGaT Center For Human Genetics Tuebingen Variant Classification Criteria Version 2. Collection method: clinical testing. Allele origin: germline. Affected: yes. Observed: 3 variant alleles.
Comment: PJVK: BS2

Labcorp Genetics (formerly Invitae), Labcorp
Classification: Benign. Last evaluated: 2025-12-06. Review status: criteria provided, single submitter. Criteria: Invitae Variant Classification Sherloc (09022015). Collection method: clinical testing. Allele origin: germline.

GeneDx
Classification: Benign. Last evaluated: 2020-10-06. Review status: criteria provided, single submitter. Criteria: GeneDx Variant Classification Process June 2021. Collection method: clinical testing. Allele origin: germline. Affected: yes.

Illumina Laboratory Services, Illumina
Classification: Uncertain significance for Autosomal recessive nonsyndromic hearing loss 59. Last evaluated: 2018-01-13. Review status: criteria provided, single submitter. Criteria: ICSL Variant Classification Criteria 13 December 2019. Collection method: clinical testing. Allele origin: germline.